The following is an entry in ClinVar:

NM_000101.4(CYBA):c.385G>T (p.Glu129Ter)

Gene: CYBA (cytochrome b-245 alpha chain; minus strand). Cytogenetic location: 16q24.2.
Variant type: single nucleotide variant.
Coding change: c.385G>T on transcript NM_000101.4 (MANE Select); coding-DNA position 385, G replaced by T.
Protein change: p.Glu129Ter; replaces glutamic acid 129 with a stop codon.
Molecular consequence: nonsense.
Genome position (GRCh38, 1-based): chr16:88,643,556, C>A on the plus strand (G>T on the coding strand, the complement: CYBA is on the minus strand). VCF-style: chr16-88643556-C-A. GRCh37 (hg19) VCF-style: chr16-88709964-C-A.
Other names: short protein forms E129*.
Identifiers: ClinVar variation 2893262 (VCV002893262.3), dbSNP rs1246768740, ClinGen allele CA397058036.

ClinVar aggregate classification (germline): Likely pathogenic (1 of 4 stars; one submission).

Conditions:
Granulomatous disease, chronic, autosomal recessive, cytochrome b-negative. Also called: GRANULOMATOUS DISEASE, CHRONIC, AUTOSOMAL RECESSIVE, 4; Chronic granulomatous disease, autosomal, due to deficiency of CYBA; CGD DUE TO DEFICIENCY OF THE ALPHA SUBUNIT OF CYTOCHROME b; CGD, AUTOSOMAL RECESSIVE CYTOCHROME b-NEGATIVE; CYBA DEFICIENCY. Identifiers: Orphanet 379, MedGen C1856255, MONDO:0009308, OMIM 233690.

gnomAD v4.1: 1 of 1,533,838 alleles (0.000065%); no homozygotes.

Submission:

Labcorp Genetics (formerly Invitae), Labcorp
Classification: Likely pathogenic for Granulomatous disease, chronic, autosomal recessive, cytochrome b-negative. Last evaluated: 2025-07-01. Review status: criteria provided, single submitter. Criteria: Invitae Variant Classification Sherloc (09022015). Collection method: clinical testing. Allele origin: germline.
Comment: This sequence change creates a premature translational stop signal (p.Glu129*) in the CYBA gene. While this is not anticipated to result in nonsense mediated decay, it is expected to disrupt the last 67 amino acid(s) of the CYBA protein. This variant is not present in population databases (gnomAD no frequency). This premature translational stop signal has been observed in individual(s) with clinical features of chronic granulomatous disease (internal data). ClinVar contains an entry for this variant (Variation ID: 2893262). This variant disrupts the C-terminus of the CYBA protein. Other variant(s) that disrupt this region (p.Lys137Serfs*54 , Lys166Argfs*17, p.Pro160Argfs*31) have been observed in individuals with CYBA-related conditions (PMID: 19292887, 30716179). This suggests that this may be a clinically significant region of the protein. In summary, the currently available evidence indicates that the variant is pathogenic, but additional data are needed to prove that conclusively. Therefore, this variant has been classified as Likely Pathogenic.

Literature cited by the submitters: PubMed 19292887; PubMed 30716179.